The following is an entry in ClinVar:

NM_000481.4(AMT):c.251T>A (p.Met84Lys)

Gene: AMT (aminomethyltransferase; minus strand). Cytogenetic location: 3p21.31.
Variant type: single nucleotide variant.
Coding change: c.251T>A on transcript NM_000481.4 (MANE Select); coding-DNA position 251, T replaced by A.
Protein change: p.Met84Lys; replaces methionine 84 with lysine.
Molecular consequence: missense variant. On other transcripts: non-coding transcript variant (1), intron variant (1).
Genome position (GRCh38, 1-based): chr3:49,422,111, A>T on the plus strand (T>A on the coding strand, the complement: AMT is on the minus strand). VCF-style: chr3-49422111-A-T. GRCh37 (hg19) VCF-style: chr3-49459544-A-T.
Other names: c.251T>A, p.Met84Lys (NM_001164710.2, NM_001164712.2); c.90+250T>A (NM_001164711.2); short protein forms M84K.
Identifiers: ClinVar variation 3706646 (VCV003706646.2).

ClinVar aggregate classification (germline): Uncertain significance (1 of 4 stars; one submission).

Conditions:
Glycine encephalopathy. Also called: Nonketotic hyperglycinemia; Non-ketotic hyperglycinemia. Identifiers: Orphanet 407, MedGen C0751748, MONDO:0011612, HP:0008288.

Submission:

Labcorp Genetics (formerly Invitae), Labcorp
Classification: Uncertain significance for Glycine encephalopathy. Last evaluated: 2024-12-16. Review status: criteria provided, single submitter. Criteria: Invitae Variant Classification Sherloc (09022015). Collection method: clinical testing. Allele origin: germline.
Comment: This sequence change replaces methionine, which is neutral and non-polar, with lysine, which is basic and polar, at codon 84 of the AMT protein (p.Met84Lys). This variant is present in population databases (no rsID available, gnomAD 0.007%). This variant has not been reported in the literature in individuals affected with AMT-related conditions. Invitae Evidence Modeling of protein sequence and biophysical properties (such as structural, functional, and spatial information, amino acid conservation, physicochemical variation, residue mobility, and thermodynamic stability) indicates that this missense variant is expected to disrupt AMT protein function with a positive predictive value of 95%. In summary, the available evidence is currently insufficient to determine the role of this variant in disease. Therefore, it has been classified as a Variant of Uncertain Significance.